The following is an entry in ClinVar:

ClinVar aggregate classification (germline): Likely benign (1 of 4 stars; one submission).

Allele frequency attached by ClinVar (database versions not stated): TOPMed 0.00003; gnomAD 0.00011; gnomAD exomes 0.00027; 1000 Genomes Project 0.00040; 1000 Genomes Project 30x 0.00047; ExAC 0.00063.
gnomAD v4.1: 405 of 1,613,726 alleles (0.025%); highest among the groups gnomAD compares: South Asian, 0.39%; 9 homozygotes.

Submission:

CeGaT Center for Human Genetics Tuebingen
Classification: Likely benign. Last evaluated: 2023-01-01. Review status: criteria provided, single submitter. Criteria: CeGaT Center For Human Genetics Tuebingen Variant Classification Criteria Version 2. Collection method: clinical testing. Allele origin: germline. Affected: yes. Observed: 1 variant allele.
Comment: EPB41: BP4, BP7, BS2

NM_001376013.1(EPB41):c.1629C>T (p.Leu543=)

Gene: EPB41 (erythrocyte membrane protein band 4.1; plus strand). Cytogenetic location: 1p35.3.
Variant type: single nucleotide variant.
Coding change: c.1629C>T on transcript NM_001376013.1 (MANE Select); coding-DNA position 1629, C replaced by T.
Protein change: p.Leu543=; no amino-acid change (leucine 543 retained).
Molecular consequence: synonymous variant.
Genome position (GRCh38, 1-based): chr1:29,039,419, C>T. VCF-style: chr1-29039419-C-T. GRCh37 (hg19) VCF-style: chr1-29365931-C-T.
Other names: c.1629C>T, p.Leu543= (NM_001376014.1, NM_001376015.1, NM_001376016.1 and 7 more transcripts); c.1002C>T, p.Leu334= (NM_001376022.1, NM_001376023.1, NM_001376024.1 and 7 more transcripts); c.1524C>T, p.Leu508= (NM_203343.3).
Identifiers: ClinVar variation 2638584 (VCV002638584.24), dbSNP rs533713121, ClinGen allele CA724571.
Genomic context (GRCh38, chr1:29,039,419, plus strand): 5'-AATTGACAGGCCTGCCCCACACTTCGAGCGTACAGCAAGTAAACGGGCGTCCCGGAGCCT[C>T]GATGGAGGTTTGTATTGAATATTAATGATTTCTTGTGATCATAATTCATTTGGAAAGATA-3'
Protein context (NP_001362942.1, residues 533-553): RTASKRASRS[Leu543=]DGAAAVDSAD